The following is an entry in ClinVar:

ClinVar aggregate classification (germline): Uncertain significance (1 of 4 stars; one submission).

Allele frequency attached by ClinVar (database versions not stated): TOPMed 0.00001; ExAC 0.00002.
gnomAD v4.1: 1 of 1,614,212 alleles (0.000062%); highest among the groups gnomAD compares: African/African-American, 0.0013%; no homozygotes.

Submission:

Labcorp Genetics (formerly Invitae), Labcorp
Classification: Uncertain significance. Last evaluated: 2024-11-18. Review status: criteria provided, single submitter. Criteria: Invitae Variant Classification Sherloc (09022015). Collection method: clinical testing. Allele origin: germline.
Comment: This sequence change replaces glutamine, which is neutral and polar, with histidine, which is basic and polar, at codon 1016 of the JAK1 protein (p.Gln1016His). This variant is present in population databases (rs780073987, gnomAD 0.01%). This variant has not been reported in the literature in individuals affected with JAK1-related conditions. ClinVar contains an entry for this variant (Variation ID: 1911719). An algorithm developed to predict the effect of missense changes on protein structure and function (PolyPhen-2) suggests that this variant is likely to be tolerated. In summary, the available evidence is currently insufficient to determine the role of this variant in disease. Therefore, it has been classified as a Variant of Uncertain Significance.

NM_002227.4(JAK1):c.3048A>C (p.Gln1016His)

Gene: JAK1 (Janus kinase 1; minus strand). Cytogenetic location: 1p31.3.
Variant type: single nucleotide variant.
Coding change: c.3048A>C on transcript NM_002227.4 (MANE Select); coding-DNA position 3048, A replaced by C.
Protein change: p.Gln1016His; replaces glutamine 1016 with histidine.
Molecular consequence: missense variant.
Genome position (GRCh38, 1-based): chr1:64,838,024, T>G on the plus strand (A>C on the coding strand, the complement: JAK1 is on the minus strand). VCF-style: chr1-64838024-T-G. GRCh37 (hg19) VCF-style: chr1-65303707-T-G.
Other names: c.3048A>C, p.Gln1016His (NM_001320923.2, NM_001321852.2, NM_001321853.2 and 3 more transcripts); c.3045A>C, p.Gln1015His (NM_001321857.2); short protein forms Q1016H, Q1015H.
Identifiers: ClinVar variation 1911719 (VCV001911719.5), dbSNP rs780073987, ClinGen allele CA892536.
Genomic context (GRCh38, chr1:64,838,024, plus strand): 5'-GGTGTAATACTCCTTATCGGTTTCAATTGCTTTGGTTAAACCGAAGTCTCCAATTTTCAC[T>G]TGGTGTTCACTCTCAACAAGGACATTTCTTGCTGCCAAGTCCCGGTGAACGTATTGCCGA-3'
Protein context (NP_002218.2, residues 1006-1026): ARNVLVESEH[Gln1016His]VKIGDFGLTK